The following is an entry in ClinVar:

ClinVar aggregate classification (germline): Likely pathogenic (0 of 4 stars; one submission).

Conditions:
MYRF-related disorder. Also called: MYRF-related condition; MYRF-related disorders.

Submission:

PreventionGenetics, part of Exact Sciences
Classification: Likely pathogenic for MYRF-related condition. Last evaluated: 2024-06-11. Review status: no assertion criteria provided. Collection method: clinical testing. Allele origin: germline.
Comment: The MYRF c.1434delG variant is predicted to result in a frameshift and premature protein termination (p.Leu479Cysfs*126). To our knowledge, this variant has not been reported in the literature or in a large population database, indicating this variant is rare. Frameshift variants in MYRF are expected to be pathogenic. This variant is interpreted as likely pathogenic.

NM_001127392.3(MYRF):c.1434del (p.Leu479fs)

Gene: MYRF (myelin regulatory factor; plus strand). Cytogenetic location: 11q12.2.
Variant type: Deletion.
Coding change: c.1434del on transcript NM_001127392.3 (MANE Select); coding-DNA position 1434, one base deleted (G; older notation c.1434delG).
Protein change: p.Leu479fs; shifts the reading frame from leucine 479.
Molecular consequence: frameshift variant.
Genome position (GRCh38, 1-based): chr11:61,776,367, G deleted; the last of 2 consecutive G bases (chr11:61,776,366-61,776,367); deleting either gives the same sequence. VCF-style (leftmost placement, unchanged base first): chr11-61776365-CG-C. GRCh37 (hg19) VCF-style: chr11-61543837-CG-C.
Other names: c.1407del, p.Leu470fs (NM_013279.4); short protein forms L470fs, L479fs.
Identifiers: ClinVar variation 3345155 (VCV003345155.1).